The following is an entry in ClinVar:

NM_000038.6(APC):c.5032G>A (p.Gly1678Arg)

Gene: APC (APC regulator of Wnt signaling pathway; plus strand). Cytogenetic location: 5q22.2.
Variant type: single nucleotide variant.
Coding change: c.5032G>A on transcript NM_000038.6 (MANE Select); coding-DNA position 5032, G replaced by A.
Protein change: p.Gly1678Arg; replaces glycine 1678 with arginine.
Molecular consequence: missense variant. On other transcripts: non-coding transcript variant (2).
Genome position (GRCh38, 1-based): chr5:112,840,626, G>A. VCF-style: chr5-112840626-G-A. GRCh37 (hg19) VCF-style: chr5-112176323-G-A.
Other names: c.4855G>A, p.Gly1619Arg (NM_001407453.1, NM_001354901.2); c.4783G>A, p.Gly1595Arg (NM_001407454.1, NM_001407455.1, NM_001407456.1 and 1 more transcripts); c.4729G>A, p.Gly1577Arg (NM_001407460.1, NM_001407458.1, NM_001407459.1 and 1 more transcripts); c.4645G>A, p.Gly1549Arg (NM_001407467.1, NM_001407469.1); c.5032G>A, p.Gly1678Arg (NM_001127510.3, NM_001354895.2, NM_001407450.1); c.4978G>A, p.Gly1660Arg (NM_001127511.3); c.5086G>A, p.Gly1696Arg (NM_001354896.2, NM_001407447.1, NM_001407448.1 and 1 more transcripts); c.5062G>A, p.Gly1688Arg (NM_001354897.2); and 11 more; short protein forms G1587R, G1650R, G1671R, G1678R, G1395R, G1518R, G1549R, G1577R.
Identifiers: ClinVar variation 3882827 (VCV003882827.1).

ClinVar aggregate classification (germline): Uncertain significance (1 of 4 stars; one submission).

Conditions:
Hereditary cancer-predisposing syndrome. Also called: Tumor predisposition; Neoplastic Syndromes, Hereditary; Hereditary Cancer Syndrome; Hereditary neoplastic syndrome. Identifiers: Orphanet 140162, MedGen C0027672, MeSH D009386, MONDO:0015356.

gnomAD v4.1: 1 of 1,613,998 alleles (0.000062%); highest among the groups gnomAD compares: Non-Finnish European, 0.000085%; no homozygotes.

Submission:

Ambry Genetics
Classification: Uncertain significance for Hereditary cancer-predisposing syndrome. Last evaluated: 2025-03-08. Review status: criteria provided, single submitter. Criteria: Ambry Variant Classification Scheme 2023. Collection method: clinical testing. Allele origin: germline.
Comment: The p.G1678R variant (also known as c.5032G>A), located in coding exon 15 of the APC gene, results from a G to A substitution at nucleotide position 5032. The glycine at codon 1678 is replaced by arginine, an amino acid with dissimilar properties. This amino acid position is conserved. In addition, in silico predictors for this gene do not accurately predict pathogenicity. Based on the available evidence, the clinical significance of this variant remains unclear.